The following is an entry in ClinVar:

NM_001288705.3(CSF1R):c.1037A>G (p.Gln346Arg)

Gene: CSF1R (colony stimulating factor 1 receptor; minus strand). Cytogenetic location: 5q32.
Variant type: single nucleotide variant.
Coding change: c.1037A>G on transcript NM_001288705.3 (MANE Select); coding-DNA position 1037, A replaced by G.
Protein change: p.Gln346Arg; replaces glutamine 346 with arginine.
Molecular consequence: missense variant. On other transcripts: non-coding transcript variant (2).
Genome position (GRCh38, 1-based): chr5:150,073,346, T>C on the plus strand (A>G on the coding strand, the complement: CSF1R is on the minus strand). VCF-style: chr5-150073346-T-C. GRCh37 (hg19) VCF-style: chr5-149452909-T-C.
Other names: c.1037A>G, p.Gln346Arg (NM_001349736.2, NM_001375320.1, NM_005211.4); c.593A>G, p.Gln198Arg (NM_001375321.1); short protein forms Q198R, Q346R.
Identifiers: ClinVar variation 1718658 (VCV001718658.5), dbSNP rs753379219, ClinGen allele CA129070501.

ClinVar aggregate classification (germline): Uncertain significance (1 of 4 stars; one submission).

gnomAD v4.1: 9 of 1,614,028 alleles (0.00056%); highest among the groups gnomAD compares: Non-Finnish European, 0.00068%; no homozygotes.

Submission:

Labcorp Genetics (formerly Invitae), Labcorp
Classification: Uncertain significance. Last evaluated: 2022-09-02. Review status: criteria provided, single submitter. Criteria: Invitae Variant Classification Sherloc (09022015). Collection method: clinical testing. Allele origin: germline.
Comment: This variant is not present in population databases (gnomAD no frequency). This sequence change replaces glutamine, which is neutral and polar, with arginine, which is basic and polar, at codon 346 of the CSF1R protein (p.Gln346Arg). This variant has not been reported in the literature in individuals affected with CSF1R-related conditions. Advanced modeling of protein sequence and biophysical properties (such as structural, functional, and spatial information, amino acid conservation, physicochemical variation, residue mobility, and thermodynamic stability) performed at Invitae indicates that this missense variant is not expected to disrupt CSF1R protein function. In summary, the available evidence is currently insufficient to determine the role of this variant in disease. Therefore, it has been classified as a Variant of Uncertain Significance.